The following is an entry in ClinVar:

NM_000535.7(PMS2):c.2185C>T (p.Leu729Phe)

Gene: PMS2 (PMS1 homolog 2, mismatch repair system component; minus strand). Cytogenetic location: 7p22.1.
Variant type: single nucleotide variant.
Coding change: c.2185C>T on transcript NM_000535.7 (MANE Select); coding-DNA position 2185, C replaced by T.
Protein change: p.Leu729Phe; replaces leucine 729 with phenylalanine.
Molecular consequence: missense variant. On other transcripts: non-coding transcript variant (1), intron variant (2).
Genome position (GRCh38, 1-based): chr7:5,978,686, G>A on the plus strand (C>T on the coding strand, the complement: PMS2 is on the minus strand). VCF-style: chr7-5978686-G-A. GRCh37 (hg19) VCF-style: chr7-6018317-G-A.
Other names: c.1720C>T, p.Leu574Phe (NM_001406900.1); c.1711C>T, p.Leu571Phe (NM_001406901.1, NM_001406902.1); c.1612C>T, p.Leu538Phe (NM_001406908.1, NM_001406909.1, NM_001322013.2); c.1414C>T, p.Leu472Phe (NM_001406911.1); c.1699C>T, p.Leu567Phe (NM_001406903.1); c.982C>T, p.Leu328Phe (NM_001406912.1); c.1672C>T, p.Leu558Phe (NM_001406904.1, NM_001406905.1); c.1624C>T, p.Leu542Phe (NM_001406906.1, NM_001406907.1, NM_001322010.2); and 16 more; short protein forms L574F, L472F, L538F, L542F, L571F, L594F, L607F, L673F.
Identifiers: ClinVar variation 2562206 (VCV002562206.5), dbSNP rs1554294503, ClinGen allele CA366736949.

ClinVar aggregate classification (germline): Uncertain significance. Review status: criteria provided, multiple submitters, no conflicts (2 of 4 stars). 3 submissions from 3 submitters: Uncertain significance (3). Last evaluated 2025-08-13.

Conditions:
Hereditary nonpolyposis colorectal neoplasms. Identifiers: MedGen C0009405, MeSH D003123.
Hereditary cancer-predisposing syndrome. Also called: Neoplastic Syndromes, Hereditary; Hereditary Cancer Syndrome; Hereditary neoplastic syndrome; Tumor predisposition. Identifiers: Orphanet 140162, MedGen C0027672, MeSH D009386, MONDO:0015356.

Submissions (3):

Color Diagnostics, LLC DBA Color Health
Classification: Uncertain significance for Hereditary cancer-predisposing syndrome. Last evaluated: 2025-08-13. Review status: criteria provided, single submitter. Criteria: ACMG Guidelines, 2015. Collection method: clinical testing. Allele origin: germline.
Comment: This missense variant replaces leucine with phenylalanine at codon 729 of the PMS2 protein. Computational prediction suggests that this variant may have deleterious impact on protein structure and function. To our knowledge, functional studies have not been reported for this variant. This variant has not been reported in individuals affected with PMS2-related disorders in the literature. This variant has not been identified in the general population by the Genome Aggregation Database (gnomAD). The available evidence is insufficient to determine the role of this variant in disease conclusively. Therefore, this variant is classified as a Variant of Uncertain Significance.

Labcorp Genetics (formerly Invitae), Labcorp
Classification: Uncertain significance for Hereditary nonpolyposis colorectal neoplasms. Last evaluated: 2025-05-15. Review status: criteria provided, single submitter. Criteria: Invitae Variant Classification Sherloc (09022015). Collection method: clinical testing. Allele origin: germline.
Comment: This sequence change replaces leucine, which is neutral and non-polar, with phenylalanine, which is neutral and non-polar, at codon 729 of the PMS2 protein (p.Leu729Phe). The frequency data for this variant in the population databases (gnomAD) is considered unreliable due to the presence of homologous sequence, such as pseudogenes or paralogs, in the genome. This variant has not been reported in the literature in individuals affected with PMS2-related conditions. ClinVar contains an entry for this variant (Variation ID: 2562206). Invitae Evidence Modeling incorporating data from in vitro experimental studies (internal data) indicates that this missense variant is not expected to disrupt PMS2 function with a negative predictive value of 95%. In summary, the available evidence is currently insufficient to determine the role of this variant in disease. Therefore, it has been classified as a Variant of Uncertain Significance.

Ambry Genetics
Classification: Uncertain significance for Hereditary cancer-predisposing syndrome. Last evaluated: 2023-04-18. Review status: criteria provided, single submitter. Criteria: Ambry Variant Classification Scheme 2023. Collection method: clinical testing. Allele origin: germline.
Comment: The p.L729F variant (also known as c.2185C>T), located in coding exon 13 of the PMS2 gene, results from a C to T substitution at nucleotide position 2185. The leucine at codon 729 is replaced by phenylalanine, an amino acid with highly similar properties. This amino acid position is conserved. In addition, this alteration is predicted to be deleterious by in silico analysis. Since supporting evidence is limited at this time, the clinical significance of this alteration remains unclear.